The following is an entry in ClinVar:

NM_017739.4(POMGNT1):c.1055G>A (p.Gly352Asp)

Genes: TSPAN1 (tetraspanin 1; plus strand), POMGNT1 (protein O-linked mannose N-acetylglucosaminyltransferase 1 (beta 1,2-); minus strand). Cytogenetic location: 1p34.1.
Variant type: single nucleotide variant.
Coding change: c.1055G>A on transcript NM_017739.4 (MANE Select); coding-DNA position 1055, G replaced by A.
Protein change: p.Gly352Asp; replaces glycine 352 with aspartic acid.
Molecular consequence: missense variant.
Genome position (GRCh38, 1-based): chr1:46,193,360, C>T on the plus strand (G>A on the coding strand, the complement: POMGNT1 is on the minus strand). VCF-style: chr1-46193360-C-T. GRCh37 (hg19) VCF-style: chr1-46659032-C-T.
Other names: c.1055G>A, p.Gly352Asp (NM_001243766.2, NM_001410783.1); c.989G>A, p.Gly330Asp (NM_001290129.3); c.626G>A, p.Gly209Asp (NM_001290130.2); short protein forms G209D, G330D, G352D.
Identifiers: ClinVar variation 1439562 (VCV001439562.3), dbSNP rs1195736220, ClinGen allele CA340180057.

ClinVar aggregate classification (germline): Uncertain significance (1 of 4 stars; one submission).

Conditions:
Autosomal recessive limb-girdle muscular dystrophy type 2O. Also called: Limb-Girdle Muscular Dystrophy Type 3C; MUSCULAR DYSTROPHY-DYSTROGLYCANOPATHY (LIMB-GIRDLE), TYPE C, 3; MUSCULAR DYSTROPHY-DYSTROGLYCANOPATHY, LIMB-GIRDLE, POMGNT1-RELATED. Identifiers: Orphanet 206564, MedGen C3150417, MONDO:0013161, OMIM 613157.
Muscular dystrophy-dystroglycanopathy (congenital with impaired intellectual development), type B, 3. Also called: Muscular dystrophy-dystroglycanopathy (congenital with intellectual disability), type B3; MUSCULAR DYSTROPHY, CONGENITAL, POMGNT1-RELATED. Identifiers: MedGen C3150412, MONDO:0013155, OMIM 613151.

gnomAD v4.1: 5 of 1,613,252 alleles (0.00031%); highest among the groups gnomAD compares: Non-Finnish European, 0.00042%; 1 homozygote.

Submission:

Labcorp Genetics (formerly Invitae), Labcorp
Classification: Uncertain significance for Autosomal recessive limb-girdle muscular dystrophy type 2O; Muscular dystrophy-dystroglycanopathy (congenital with impaired intellectual development), type B, 3. Last evaluated: 2021-09-26. Review status: criteria provided, single submitter. Criteria: Invitae Variant Classification Sherloc (09022015). Collection method: clinical testing. Allele origin: germline.
Comment: This sequence change replaces glycine with aspartic acid at codon 352 of the POMGNT1 protein (p.Gly352Asp). The glycine residue is highly conserved and there is a moderate physicochemical difference between glycine and aspartic acid. This variant is not present in population databases (ExAC no frequency). This variant has not been reported in the literature in individuals affected with POMGNT1-related conditions. Advanced modeling of protein sequence and biophysical properties (such as structural, functional, and spatial information, amino acid conservation, physicochemical variation, residue mobility, and thermodynamic stability) performed at Invitae indicates that this missense variant is expected to disrupt POMGNT1 protein function. In summary, the available evidence is currently insufficient to determine the role of this variant in disease. Therefore, it has been classified as a Variant of Uncertain Significance.